The following is an entry in ClinVar:

ClinVar aggregate classification (germline): Uncertain significance (1 of 4 stars; one submission).

Submission:

GeneDx
Classification: Uncertain significance. Last evaluated: 2024-11-22. Review status: criteria provided, single submitter. Criteria: GeneDx Variant Classification Process June 2021. Collection method: clinical testing. Allele origin: germline. Affected: yes.
Comment: Not observed at significant frequency in large population cohorts (gnomAD); In silico analysis supports that this missense variant has a deleterious effect on protein structure/function; Has not been previously published as pathogenic or benign to our knowledge

NM_001379110.1(SLC9A6):c.1574A>T (p.Glu525Val)

Gene: SLC9A6 (solute carrier family 9 member A6; plus strand). Cytogenetic location: Xq26.3.
Variant type: single nucleotide variant.
Coding change: c.1574A>T on transcript NM_001379110.1 (MANE Select); coding-DNA position 1574, A replaced by T.
Protein change: p.Glu525Val; replaces glutamic acid 525 with valine.
Molecular consequence: missense variant.
Genome position (GRCh38, 1-based): chrX:136,030,155, A>T. VCF-style: chrX-136030155-A-T. GRCh37 (hg19) VCF-style: chrX-135112314-A-T.
Other names: c.1640A>T, p.Glu547Val (NM_001042537.2); c.1484A>T, p.Glu495Val (NM_001177651.2, NM_001400909.1, NM_001400910.1 and 2 more transcripts); c.1388A>T, p.Glu463Val (NM_001330652.2, NM_001400913.1); c.1544A>T, p.Glu515Val (NM_006359.3); short protein forms E463V, E495V, E515V, E525V, E547V.
Identifiers: ClinVar variation 3900564 (VCV003900564.1).